The following is an entry in ClinVar:

NM_001103.4(ACTN2):c.1337C>A (p.Ala446Glu)

Gene: ACTN2 (actinin alpha 2; plus strand). Cytogenetic location: 1q43.
Variant type: single nucleotide variant.
Coding change: c.1337C>A on transcript NM_001103.4 (MANE Select); coding-DNA position 1337, C replaced by A.
Protein change: p.Ala446Glu; replaces alanine 446 with glutamic acid.
Molecular consequence: missense variant.
Genome position (GRCh38, 1-based): chr1:236,744,707, C>A. VCF-style: chr1-236744707-C-A. GRCh37 (hg19) VCF-style: chr1-236908007-C-A.
Other names: c.1337C>A, p.Ala446Glu (NM_001278343.2); c.713C>A, p.Ala238Glu (NM_001278344.2); short protein forms A238E, A446E.
Identifiers: ClinVar variation 1062771 (VCV001062771.9), dbSNP rs767041933, ClinGen allele CA345382753.

ClinVar aggregate classification (germline): Uncertain significance (1 of 4 stars; one submission).

Conditions:
Dilated cardiomyopathy 1AA (CMD1AA). Also called: Cardiomyopathy, dilated, 1AA, with or without LVNC; CARDIOMYOPATHY, FAMILIAL HYPERTROPHIC, 23, WITH OR WITHOUT LEFT VENTRICULAR NONCOMPACTION; CARDIOMYOPATHY, DILATED, 1AA, WITH OR WITHOUT LEFT VENTRICULAR NONCOMPACTION. Identifiers: Orphanet 154, MedGen C2677338, MONDO:0012808, OMIM 612158.
Primary familial hypertrophic cardiomyopathy (HCM). Identifiers: Orphanet 99739, MedGen C0949658, MeSH D024741, MONDO:0024573. Inheritance: Various modes of inheritance.

Submission:

Labcorp Genetics (formerly Invitae), Labcorp
Classification: Uncertain significance for Primary familial hypertrophic cardiomyopathy; Dilated cardiomyopathy 1AA. Last evaluated: 2024-04-02. Review status: criteria provided, single submitter. Criteria: Invitae Variant Classification Sherloc (09022015). Collection method: clinical testing. Allele origin: germline.
Comment: This sequence change replaces alanine, which is neutral and non-polar, with glutamic acid, which is acidic and polar, at codon 446 of the ACTN2 protein (p.Ala446Glu). This variant is not present in population databases (gnomAD no frequency). This variant has not been reported in the literature in individuals affected with ACTN2-related conditions. ClinVar contains an entry for this variant (Variation ID: 1062771). Advanced modeling of protein sequence and biophysical properties (such as structural, functional, and spatial information, amino acid conservation, physicochemical variation, residue mobility, and thermodynamic stability) performed at Invitae indicates that this missense variant is expected to disrupt ACTN2 protein function with a positive predictive value of 80%. In summary, the available evidence is currently insufficient to determine the role of this variant in disease. Therefore, it has been classified as a Variant of Uncertain Significance.